The following is an entry in ClinVar:

ClinVar aggregate classification (germline): Likely pathogenic (1 of 4 stars; one submission).

Conditions:
6-Pyruvoyl-tetrahydrobiopterin synthase deficiency. Also called: Hyperphenylalanemia, BH4-deficient, A; Hyperphenylalaninemia due to 6-pyruvoyl-tetrahydropterin synthase deficiency; 6-Pyruvoyltetrahydropterin Synthase Deficiency; HYPERPHENYLALANINEMIA, TETRAHYDROBIOPTERIN-DEFICIENT, DUE TO PTS DEFICIENCY; BH4-deficient hyperphenylalaninemia A; PTS-Related Tetrahydrobiopterin Deficiency. Identifiers: Orphanet 13, Orphanet 238583, MedGen C0878676, MONDO:0009863, OMIM 261640.

Allele frequency attached by ClinVar (database versions not stated): gnomAD exomes below 0.00001.

Submission:

Labcorp Genetics (formerly Invitae), Labcorp
Classification: Likely pathogenic for 6-Pyruvoyl-tetrahydrobiopterin synthase deficiency. Last evaluated: 2021-11-12. Review status: criteria provided, single submitter. Criteria: Invitae Variant Classification Sherloc (09022015). Collection method: clinical testing. Allele origin: germline.
Comment: In summary, the currently available evidence indicates that the variant is pathogenic, but additional data are needed to prove that conclusively. Therefore, this variant has been classified as Likely Pathogenic. Algorithms developed to predict the effect of sequence changes on RNA splicing suggest that this variant may disrupt the consensus splice site. Disruption of this splice site has been observed in individual(s) with PTS-related conditions (PMID: 22237589). This variant is not present in population databases (gnomAD no frequency). This sequence change affects a donor splice site in intron 2 of the PTS gene. It is expected to disrupt RNA splicing. Variants that disrupt the donor or acceptor splice site typically lead to a loss of protein function (PMID: 16199547), and loss-of-function variants in PTS are known to be pathogenic (PMID: 3297709, 16917893).

Literature cited by the submitters: PubMed 22237589; PubMed 16199547; PubMed 3297709; PubMed 16917893.

NM_000317.3(PTS):c.163+1G>T

Gene: PTS (6-pyruvoyltetrahydropterin synthase; plus strand). Cytogenetic location: 11q23.1.
Variant type: single nucleotide variant.
Coding change: c.163+1G>T on transcript NM_000317.3 (MANE Select); the canonical splice donor site of the intron after coding-DNA position 163, G replaced by T.
Molecular consequence: splice donor variant.
Genome position (GRCh38, 1-based): chr11:112,228,674, G>T. VCF-style: chr11-112228674-G-T. GRCh37 (hg19) VCF-style: chr11-112099397-G-T.
Identifiers: ClinVar variation 1479472 (VCV001479472.6), dbSNP rs2135408292, ClinGen allele CA382627152.